The following is an entry in ClinVar:

ClinVar aggregate classification (germline): Uncertain significance (1 of 4 stars; one submission).

Allele frequency attached by ClinVar (database versions not stated): gnomAD exomes below 0.00001; TOPMed below 0.00001.
gnomAD v4.1: 3 of 1,609,944 alleles (0.00019%); highest among the groups gnomAD compares: Admixed American, 0.0017%; no homozygotes.

Submission:

GeneDx
Classification: Uncertain significance. Last evaluated: 2021-02-02. Review status: criteria provided, single submitter. Criteria: GeneDx Variant Classification Process June 2021. Collection method: clinical testing. Allele origin: germline. Affected: yes.
Comment: Not observed at a significant frequency in large population cohorts (Lek et al., 2016); In silico analysis supports that this missense variant does not alter protein structure/function; Has not been previously published as pathogenic or benign to our knowledge

NM_017755.6(NSUN2):c.1322A>G (p.Lys441Arg)

Gene: NSUN2 (NOP2/Sun RNA methyltransferase 2; minus strand). Cytogenetic location: 5p15.31.
Variant type: single nucleotide variant.
Coding change: c.1322A>G on transcript NM_017755.6 (MANE Select); coding-DNA position 1322, A replaced by G.
Protein change: p.Lys441Arg; replaces lysine 441 with arginine.
Molecular consequence: missense variant. On other transcripts: non-coding transcript variant (1).
Genome position (GRCh38, 1-based): chr5:6,609,827, T>C on the plus strand (A>G on the coding strand, the complement: NSUN2 is on the minus strand). VCF-style: chr5-6609827-T-C. GRCh37 (hg19) VCF-style: chr5-6609940-T-C.
Other names: c.1217A>G, p.Lys406Arg (NM_001193455.2); short protein forms K441R, K406R.
Identifiers: ClinVar variation 423945 (VCV000423945.4), dbSNP rs1017242313, ClinGen allele CA12020104.